The following is an entry in ClinVar:

ClinVar aggregate classification (germline): Uncertain significance (1 of 4 stars; one submission).

Conditions:
Jeune thoracic dystrophy. Also called: Jeune syndrome; Infantile thoracic dystrophy; Thoracic pelvic phalangeal dystrophy; Jeune's syndrome; Chondroectodermal dysplasia-like syndrome; Short-rib thoracic dysplasia. Identifiers: Orphanet 474, MedGen C0265275, MONDO:0018770.

Allele frequency attached by ClinVar (database versions not stated): gnomAD exomes 0.00001; ExAC 0.00002.
gnomAD v4.1: 7 of 1,613,622 alleles (0.00043%); highest among the groups gnomAD compares: Admixed American, 0.012%; no homozygotes.

Submission:

Labcorp Genetics (formerly Invitae), Labcorp
Classification: Uncertain significance for Jeune thoracic dystrophy. Last evaluated: 2024-04-29. Review status: criteria provided, single submitter. Criteria: Invitae Variant Classification Sherloc (09022015). Collection method: clinical testing. Allele origin: germline.
Comment: This sequence change replaces aspartic acid, which is acidic and polar, with asparagine, which is neutral and polar, at codon 4271 of the DYNC2H1 protein (p.Asp4271Asn). This variant is present in population databases (rs751331098, gnomAD 0.02%). This variant has not been reported in the literature in individuals affected with DYNC2H1-related conditions. ClinVar contains an entry for this variant (Variation ID: 2202825). Advanced modeling of protein sequence and biophysical properties (such as structural, functional, and spatial information, amino acid conservation, physicochemical variation, residue mobility, and thermodynamic stability) performed at Invitae indicates that this missense variant is not expected to disrupt DYNC2H1 protein function with a negative predictive value of 95%. In summary, the available evidence is currently insufficient to determine the role of this variant in disease. Therefore, it has been classified as a Variant of Uncertain Significance.

NM_001377.3(DYNC2H1):c.12790G>A (p.Asp4264Asn)

Gene: DYNC2H1 (dynein cytoplasmic 2 heavy chain 1; plus strand). Cytogenetic location: 11q22.3.
Variant type: single nucleotide variant.
Coding change: c.12790G>A on transcript NM_001377.3 (MANE Select); coding-DNA position 12790, G replaced by A.
Protein change: p.Asp4264Asn; replaces aspartic acid 4264 with asparagine.
Molecular consequence: missense variant.
Genome position (GRCh38, 1-based): chr11:103,479,119, G>A. VCF-style: chr11-103479119-G-A. GRCh37 (hg19) VCF-style: chr11-103349847-G-A.
Other names: c.12811G>A, p.Asp4271Asn (NM_001080463.2); short protein forms D4264N, D4271N.
Identifiers: ClinVar variation 2202825 (VCV002202825.3), dbSNP rs751331098, ClinGen allele CA6255691.
Genomic context (GRCh38, chr11:103,479,119, plus strand): 5'-ATTGCTTTATTTTAAAACAAGTTATTTTTTAAACAGGATGCATGTGGTCCATATTCTCCG[G>A]ATGAGTGCATCTCTTTGCCTGTTTACACAAGTGCTGAAAGGGATCGTGTGGTTACCAATA-3'
Protein context (NP_001368.2, residues 4254-4274): PQDACGPYSP[Asp4264Asn]ECISLPVYTS